The following is an entry in ClinVar:

NM_003906.5(MCM3AP):c.3255C>T (p.Asp1085=)

Gene: MCM3AP (minichromosome maintenance complex component 3 associated protein; minus strand). Cytogenetic location: 21q22.3.
Variant type: single nucleotide variant.
Coding change: c.3255C>T on transcript NM_003906.5 (MANE Select); coding-DNA position 3255, C replaced by T.
Protein change: p.Asp1085=; no amino-acid change (aspartic acid 1085 retained).
Molecular consequence: synonymous variant.
Genome position (GRCh38, 1-based): chr21:46,264,197, G>A on the plus strand (C>T on the coding strand, the complement: MCM3AP is on the minus strand). VCF-style: chr21-46264197-G-A. GRCh37 (hg19) VCF-style: chr21-47684111-G-A.
Other names: p.Asp1085=.
Identifiers: ClinVar variation 1967387 (VCV001967387.6), dbSNP rs1030624139, ClinGen allele CA321985742.

ClinVar aggregate classification (germline): Likely benign. Review status: criteria provided, multiple submitters, no conflicts (2 of 4 stars). 2 submissions from 2 submitters: Likely benign (2). Last evaluated 2025-09-30.

Allele frequency attached by ClinVar (database versions not stated): gnomAD exomes 0.00001; TOPMed 0.00001; gnomAD 0.00002.
gnomAD v4.1: 10 of 1,612,794 alleles (0.00062%); highest among the groups gnomAD compares: Non-Finnish European, 0.00085%; no homozygotes.

Submissions (2):

Mayo Clinic Laboratories, Mayo Clinic
Classification: Likely benign. Last evaluated: 2025-09-30. Review status: criteria provided, single submitter. Criteria: ACMG Guidelines, 2015. Collection method: clinical testing. Allele origin: germline. Observed: 1 variant allele.
Comment: BP4, BP7

Labcorp Genetics (formerly Invitae), Labcorp
Classification: Likely benign. Last evaluated: 2022-08-31. Review status: criteria provided, single submitter. Criteria: Invitae Variant Classification Sherloc (09022015). Collection method: clinical testing. Allele origin: germline.